The following is an entry in ClinVar:

NM_015346.4(ZFYVE26):c.570_576del (p.Gln190fs)

Gene: ZFYVE26 (zinc finger FYVE-type containing 26; minus strand). Cytogenetic location: 14q24.1.
Variant type: Deletion.
Coding change: c.570_576del on transcript NM_015346.4 (MANE Select); coding-DNA positions 570 to 576, 7 bases deleted (GAATGCA; older notation c.570_576delGAATGCA).
Protein change: p.Gln190fs; shifts the reading frame from glutamine 190.
Molecular consequence: frameshift variant.
Genome position (GRCh38, 1-based): chr14:67,807,708-67,807,714, TGCATTC deleted on the plus strand (GAATGCA on the coding strand, the reverse complement: ZFYVE26 is on the minus strand); deleting any 7 consecutive bases within chr14:67,807,708-67,807,718 gives the same sequence; the c. name uses the placement nearest the transcript's 3' end. VCF-style (leftmost placement, unchanged base first): chr14-67807707-GTGCATTC-G. GRCh37 (hg19) VCF-style: chr14-68274424-GTGCATTC-G.
Other names: short protein forms Q190fs.
Identifiers: ClinVar variation 3641960 (VCV003641960.2).

ClinVar aggregate classification (germline): Pathogenic (1 of 4 stars; one submission).

Conditions:
Spastic paraplegia. Identifiers: MedGen C0037772, HP:0001258.

Submission:

Labcorp Genetics (formerly Invitae), Labcorp
Classification: Pathogenic for Spastic paraplegia. Last evaluated: 2024-02-19. Review status: criteria provided, single submitter. Criteria: Invitae Variant Classification Sherloc (09022015). Collection method: clinical testing. Allele origin: germline.
Comment: This sequence change creates a premature translational stop signal (p.Gln190Hisfs*23) in the ZFYVE26 gene. It is expected to result in an absent or disrupted protein product. Loss-of-function variants in ZFYVE26 are known to be pathogenic (PMID: 18394578, 19805727). This variant is not present in population databases (gnomAD no frequency). This variant has not been reported in the literature in individuals affected with ZFYVE26-related conditions. For these reasons, this variant has been classified as Pathogenic.

Literature cited by the submitters: PubMed 18394578; PubMed 19805727.